The following is an entry in ClinVar:

ClinVar aggregate classification (germline): Likely benign (1 of 4 stars; one submission).

Allele frequency attached by ClinVar (database versions not stated): gnomAD exomes 0.00017; ESP Exome Variant Server 0.00159; 1000 Genomes Project 0.00160; TOPMed 0.00189; 1000 Genomes Project 30x 0.00203.
gnomAD v4.1: 530 of 1,611,110 alleles (0.033%); highest among the groups gnomAD compares: African/African-American, 0.61%; no homozygotes.

Submission:

CeGaT Center for Human Genetics Tuebingen
Classification: Likely benign. Last evaluated: 2022-06-01. Review status: criteria provided, single submitter. Criteria: CeGaT Center For Human Genetics Tuebingen Variant Classification Criteria Version 2. Collection method: clinical testing. Allele origin: germline. Affected: yes. Observed: 1 variant allele.
Comment: HYDIN: BP4

NM_001270974.2(HYDIN):c.7323T>G (p.Ser2441Arg)

Gene: HYDIN (HYDIN axonemal central pair apparatus protein; minus strand). Cytogenetic location: 16q22.2.
Variant type: single nucleotide variant.
Coding change: c.7323T>G on transcript NM_001270974.2 (MANE Select); coding-DNA position 7323, T replaced by G.
Protein change: p.Ser2441Arg; replaces serine 2441 with arginine.
Molecular consequence: missense variant.
Genome position (GRCh38, 1-based): chr16:70,921,053, A>C on the plus strand (T>G on the coding strand, the complement: HYDIN is on the minus strand). VCF-style: chr16-70921053-A-C. GRCh37 (hg19) VCF-style: chr16-70954956-A-C.
Other names: short protein forms S2441R.
Identifiers: ClinVar variation 2646747 (VCV002646747.24), dbSNP rs199693110, ClinGen allele CA8149992.